The following is an entry in ClinVar:

ClinVar aggregate classification (germline): Uncertain significance (1 of 4 stars; one submission).

Conditions:
Myopathy, proximal, and ophthalmoplegia (CMYO6). Also called: INCLUSION BODY MYOPATHY 3, AUTOSOMAL DOMINANT; CONGENITAL MYOPATHY 6 WITH OPHTHALMOPLEGIA; MYOPATHY WITH CONGENITAL JOINT CONTRACTURES, OPHTHALMOPLEGIA, AND RIMMED VACUOLES. Identifiers: Orphanet 363677, Orphanet 79091, MedGen C1854106, MONDO:0011577, OMIM 605637.

Submission:

Labcorp Genetics (formerly Invitae), Labcorp
Classification: Uncertain significance for Myopathy, proximal, and ophthalmoplegia. Last evaluated: 2024-05-22. Review status: criteria provided, single submitter. Criteria: Invitae Variant Classification Sherloc (09022015). Collection method: clinical testing. Allele origin: germline.
Comment: This sequence change replaces glutamic acid, which is acidic and polar, with glutamine, which is neutral and polar, at codon 1773 of the MYH2 protein (p.Glu1773Gln). This variant is not present in population databases (gnomAD no frequency). This variant has not been reported in the literature in individuals affected with MYH2-related conditions. Advanced modeling of protein sequence and biophysical properties (such as structural, functional, and spatial information, amino acid conservation, physicochemical variation, residue mobility, and thermodynamic stability) performed at Invitae indicates that this missense variant is not expected to disrupt MYH2 protein function with a negative predictive value of 80%. In summary, the available evidence is currently insufficient to determine the role of this variant in disease. Therefore, it has been classified as a Variant of Uncertain Significance.

NM_017534.6(MYH2):c.5317G>C (p.Glu1773Gln)

Genes: MYHAS (myosin heavy chain gene cluster antisense RNA; plus strand), MYH2 (myosin heavy chain 2; minus strand). Cytogenetic location: 17p13.1.
Variant type: single nucleotide variant.
Coding change: c.5317G>C on transcript NM_017534.6 (MANE Select); coding-DNA position 5317, G replaced by C.
Protein change: p.Glu1773Gln; replaces glutamic acid 1773 with glutamine.
Molecular consequence: missense variant.
Genome position (GRCh38, 1-based): chr17:10,523,651, C>G on the plus strand (G>C on the coding strand, the complement: MYH2 is on the minus strand). VCF-style: chr17-10523651-C-G. GRCh37 (hg19) VCF-style: chr17-10426968-C-G.
Other names: c.5317G>C, p.Glu1773Gln (NM_001100112.2); short protein forms E1773Q.
Identifiers: ClinVar variation 3616596 (VCV003616596.2).